The following is an entry in ClinVar:

ClinVar aggregate classification (germline): Pathogenic/Likely pathogenic. Review status: criteria provided, multiple submitters, no conflicts (2 of 4 stars). 10 submissions from 10 submitters: Pathogenic (2); Likely pathogenic (7). 1 of the submissions does not count toward it. Last evaluated 2026-04-25.

Conditions:
Nemaline myopathy 2 (NEM2). Also called: Nemaline myopathy 2, autosomal recessive. Identifiers: MedGen C1850569, MONDO:0009725, OMIM 256030.
Arthrogryposis multiplex congenita 6. Identifiers: MedGen C5543431, MONDO:0030281, OMIM 619334.

Allele frequency attached by ClinVar (database versions not stated): gnomAD exomes below 0.00001; TOPMed 0.00002; gnomAD 0.00001.
gnomAD v4.1: 5 of 1,565,686 alleles (0.00032%); highest among the groups gnomAD compares: Non-Finnish European, 0.00044%; no homozygotes.

Submissions (10):

GeneDx
Classification: Likely pathogenic. Last evaluated: 2026-04-25. Review status: criteria provided, single submitter. Criteria: GeneDx Variant Classification Process June 2021. Collection method: clinical testing. Allele origin: germline.
Comment: Reported along with a second variant in the NEB gene in a patient with core-rod myopathy in the published literature (PMID: 38982518); Canonical splice site variant predicted to result in an in-frame loss of the adjacent exon in a gene for which loss of function is a known mechanism of disease; Not observed at significant frequency in large population cohorts (gnomAD); Deletions involving coding exons of this gene are a known mechanism of disease (HGMD); This variant is associated with the following publications: (PMID: 25205138, 38982518)

Natera, Inc.
Classification: Likely pathogenic for Nemaline myopathy type 2. Last evaluated: 2025-06-27. Review status: criteria provided, single submitter. Criteria: Natera Variant Classification Schema (03/2026). Collection method: clinical testing. Allele origin: germline.
Comment: The c.18891+1G>A variant in NEB is a canonical splice donor site variant predicted to affect pre-mRNA splicing, which may result in an abnormal transcript and altered protein product. This variant may result in a truncated or dysfunctional protein product. This variant is rare in the general population with a frequency below the threshold expected for the associated phenotype(s). This variant has been observed in one or more individuals affected with the associated recessive disease, as either homozygous or compound heterozygous with a second variant (PMID: 38982518). Given the available evidence, this variant is classified as Likely Pathogenic.

Myriad Genetics, Inc.
Classification: Likely pathogenic for Nemaline myopathy 2. Last evaluated: 2025-03-11. Review status: criteria provided, single submitter. Criteria: Myriad Autosomal Dominant, Autosomal Recessive and X-Linked Classification Criteria (2023). Collection method: clinical testing. Allele origin: unknown.
Comment: NM_001271208.1(NEB):c.18891+1G>A is a variant in a canonical splice site classified as likely pathogenic in the context of NEB-related nemaline myopathy. c.18891+1G>A has been observed in a case with relevant disease (PMID: 38982518). Relevant functional assessments of this variant are not available in the literature. c.18891+1G>A has been observed in referenced population frequency databases. In summary, NM_001271208.1(NEB):c.18891+1G>A is a variant in a canonical splice site that has been observed more frequently in cases with the relevant disease than in healthy populations. Please note: this variant was assessed in the context of healthy population screening.

Labcorp Genetics (formerly Invitae), Labcorp
Classification: Pathogenic for Nemaline myopathy 2. Last evaluated: 2024-06-25. Review status: criteria provided, single submitter. Criteria: Invitae Variant Classification Sherloc (09022015). Collection method: clinical testing. Allele origin: germline.
Comment: This sequence change affects a donor splice site in intron 120 of the NEB gene. It is expected to disrupt RNA splicing. Variants that disrupt the donor or acceptor splice site typically lead to a loss of protein function (PMID: 16199547), and loss-of-function variants in NEB are known to be pathogenic (PMID: 25205138). The frequency data for this variant in the population databases is considered unreliable, as metrics indicate poor data quality at this position in the gnomAD database. Disruption of this splice site has been observed in individual(s) with clinical features of nemaline myopathy (Invitae). In at least one individual the data is consistent with being in trans (on the opposite chromosome) from a pathogenic variant. ClinVar contains an entry for this variant (Variation ID: 552061). Algorithms developed to predict the effect of sequence changes on RNA splicing suggest that this variant may disrupt the consensus splice site. For these reasons, this variant has been classified as Pathogenic.

Muscle and Diseases Team, Institut de Génétique et Biologie Moléculaire et Cellulaire
Classification: Likely pathogenic for Nemaline myopathy 2. Last evaluated: 2024-03-01. Review status: criteria provided, single submitter. Criteria: ACMG Guidelines, 2015. Collection method: research. Allele origin: maternal. Affected: yes. Observed: 4 variant alleles.
Comment: PVS1_Strong+PM2

Baylor Genetics
Classification: Pathogenic for Arthrogryposis multiplex congenita 6. Last evaluated: 2024-02-12. Review status: criteria provided, single submitter. Criteria: ACMG Guidelines, 2015. Collection method: clinical testing. Allele origin: unknown.

Fulgent Genetics
Classification: Likely pathogenic for Nemaline myopathy 2; Arthrogryposis multiplex congenita 6. Last evaluated: 2021-09-30. Review status: criteria provided, single submitter. Criteria: ACMG Guidelines, 2015. Collection method: clinical testing. Allele origin: unknown.

Revvity Omics, Revvity
Classification: Likely pathogenic. Last evaluated: 2019-04-24. Review status: criteria provided, single submitter. Criteria: ACMG Guidelines, 2015. Collection method: clinical testing. Allele origin: germline.

Eurofins Ntd Llc (ga)
Classification: Likely pathogenic. Last evaluated: 2018-01-25. Review status: criteria provided, single submitter. Criteria: EGL Classification Definitions 2015. Collection method: clinical testing. Allele origin: germline. Observed: 1 variant allele, 1 heterozygote.

Counsyl
Classification: Likely pathogenic for Nemaline myopathy 2. Last evaluated: 2017-05-19. Review status: no assertion criteria provided. Collection method: clinical testing. Allele origin: unknown. Not counted in ClinVar's aggregate classification.

Literature cited by the submitters: PubMed 38982518 (cited by Natera, Inc. and Myriad Genetics, Inc.); PubMed 16199547 (cited by Labcorp Genetics (formerly Invitae), Labcorp); PubMed 25205138 (cited by Labcorp Genetics (formerly Invitae), Labcorp); DOI 10.1186/s13073-024-01353-0 (cited by Muscle and Diseases Team, Institut de Génétique et Biologie Moléculaire et Cellulaire); PubMed 30192042 (cited by Muscle and Diseases Team, Institut de Génétique et Biologie Moléculaire et Cellulaire).

NM_001164508.2(NEB):c.18891+1G>A

Gene: NEB (nebulin; minus strand). Cytogenetic location: 2q23.3.
Variant type: single nucleotide variant.
Coding change: c.18891+1G>A on transcript NM_001164508.2 (MANE Select); the canonical splice donor site of the intron after coding-DNA position 18891, G replaced by A.
Molecular consequence: splice donor variant.
Genome position (GRCh38, 1-based): chr2:151,562,610, C>T on the plus strand (G>A on the coding strand, the complement: NEB is on the minus strand). VCF-style: chr2-151562610-C-T. GRCh37 (hg19) VCF-style: chr2-152419124-C-T.
Other names: c.13788+1G>A (NM_004543.5); c.18891+1G>A (NM_001164507.2, NM_001271208.2).
Identifiers: ClinVar variation 552061 (VCV000552061.25), dbSNP rs1443738549, ClinGen allele CA348797233.